The following is an entry in ClinVar:

NM_000400.4(ERCC2):c.634C>G (p.Leu212Val)

Gene: ERCC2 (ERCC excision repair 2, TFIIH core complex helicase subunit; minus strand). Cytogenetic location: 19q13.32.
Variant type: single nucleotide variant.
Coding change: c.634C>G on transcript NM_000400.4 (MANE Select); coding-DNA position 634, C replaced by G.
Protein change: p.Leu212Val; replaces leucine 212 with valine.
Molecular consequence: missense variant.
Genome position (GRCh38, 1-based): chr19:45,364,508, G>C on the plus strand (C>G on the coding strand, the complement: ERCC2 is on the minus strand). VCF-style: chr19-45364508-G-C. GRCh37 (hg19) VCF-style: chr19-45867766-G-C.
Other names: c.562C>G, p.Leu188Val (NM_001130867.2); short protein forms L212V, L188V.
Identifiers: ClinVar variation 1752993 (VCV001752993.2), dbSNP rs2123292150, ClinGen allele CA406374438.

ClinVar aggregate classification (germline): Uncertain significance (1 of 4 stars; one submission).

Conditions:
Inborn genetic diseases. Identifiers: MedGen C0950123, MeSH D030342.

Submission:

Ambry Genetics
Classification: Uncertain significance for Inborn genetic diseases. Last evaluated: 2022-01-21. Review status: criteria provided, single submitter. Criteria: Ambry Variant Classification Scheme 2023. Collection method: clinical testing. Allele origin: germline.
Comment: The p.L212V variant (also known as c.634C>G), located in coding exon 8 of the ERCC2 gene, results from a C to G substitution at nucleotide position 634. The leucine at codon 212 is replaced by valine, an amino acid with highly similar properties. This amino acid position is conserved. In addition, this alteration is predicted to be deleterious by in silico analysis. Since supporting evidence is limited at this time, the clinical significance of this alteration remains unclear.